The following is an entry in ClinVar:

NC_000022.10:g.(?_29095816)_(29095935_?)dup

Gene: CHEK2 (checkpoint kinase 2; minus strand). Cytogenetic location: 22q12.1.
Variant type: Duplication.
Identifiers: ClinVar variation 649057 (VCV000649057.7).

ClinVar aggregate classification (germline): Likely pathogenic (1 of 4 stars; one submission).

Conditions:
Familial cancer of breast. Also called: hereditary breast carcinoma; Hereditary breast cancer; BREAST CANCER, FAMILIAL. Identifiers: Orphanet 227535, MedGen C0346153, MONDO:0016419, OMIM 114480. Disease mechanism: loss of function.

Submission:

Labcorp Genetics (formerly Invitae), Labcorp
Classification: Likely pathogenic for Familial cancer of breast. Last evaluated: 2023-05-29. Review status: criteria provided, single submitter. Criteria: Invitae Variant Classification Sherloc (09022015). Collection method: clinical testing. Allele origin: germline.
Comment: In summary, the currently available evidence indicates that the variant is pathogenic, but additional data are needed to prove that conclusively. Therefore, this variant has been classified as Likely Pathogenic. This variant has not been reported in the literature in individuals affected with CHEK2-related conditions. This variant results in a copy number gain of the genomic region encompassing exon(s) 9 of the CHEK2 gene. While the exact position of this variant cannot be determined from the data, sub-genic copy number gains are generally in tandem (PMID: 25640679). This variant is predicted to be out-of-frame, and may result in an absent or disrupted protein product. Loss-of-function variants in CHEK2 are known to be pathogenic (PMID: 21876083, 24713400).

Literature cited by the submitters: PubMed 25640679; PubMed 21876083; PubMed 24713400.